The following is an entry in ClinVar:

ClinVar aggregate classification (germline): Likely benign. Review status: criteria provided, multiple submitters, no conflicts (2 of 4 stars). 3 submissions from 3 submitters: Likely benign (2). 1 of the submissions does not count toward it. Last evaluated 2026-01-25.

Conditions:
Glycogen storage disease, type II (IOPD). Also called: Pompe Disease; CARDIOMEGALIA GLYCOGENICA DIFFUSA; GSD II; GLYCOGENOSIS, GENERALIZED, CARDIAC FORM; Glycogen storage disease type 2; Acid maltase deficiency disease. Identifiers: Orphanet 365, MedGen C0017921, MONDO:0009290, OMIM 232300.

Allele frequency attached by ClinVar (database versions not stated): ESP Exome Variant Server 0.00008; 1000 Genomes Project 30x 0.00016; 1000 Genomes Project 0.00020; gnomAD 0.00002 and 0.00003; ExAC 0.00003; TOPMed 0.00003.
gnomAD v4.1: 39 of 1,612,546 alleles (0.0024%); highest among the groups gnomAD compares: Admixed American, 0.0067%; no homozygotes.

Submissions (3):

Labcorp Genetics (formerly Invitae), Labcorp
Classification: Likely benign for Glycogen storage disease, type II. Last evaluated: 2026-01-25. Review status: criteria provided, single submitter. Criteria: Invitae Variant Classification Sherloc (09022015). Collection method: clinical testing. Allele origin: germline.

CeGaT Center for Human Genetics Tuebingen
Classification: Likely benign. Last evaluated: 2024-05-01. Review status: criteria provided, single submitter. Criteria: CeGaT Center For Human Genetics Tuebingen Variant Classification Criteria Version 2. Collection method: clinical testing. Allele origin: germline. Affected: yes. Observed: 1 variant allele.
Comment: GAA: BP4, BP7

Natera, Inc.
Classification: Uncertain significance for Glycogen storage disease type II. Last evaluated: 2019-10-28. Review status: no assertion criteria provided. Collection method: clinical testing. Allele origin: germline. Not counted in ClinVar's aggregate classification.

NM_000152.5(GAA):c.309C>T (p.Cys103=)

Gene: GAA (alpha glucosidase; plus strand). Cytogenetic location: 17q25.3.
Variant type: single nucleotide variant.
Coding change: c.309C>T on transcript NM_000152.5 (MANE Select); coding-DNA position 309, C replaced by T.
Protein change: p.Cys103=; no amino-acid change (cysteine 103 retained).
Molecular consequence: synonymous variant.
Genome position (GRCh38, 1-based): chr17:80,104,895, C>T. VCF-style: chr17-80104895-C-T. GRCh37 (hg19) VCF-style: chr17-78078694-C-T.
Other names: c.309C>T (LRG_673t1); c.309C>T, p.Cys103= (NM_001079803.3, NM_001079804.3).
Identifiers: ClinVar variation 577338 (VCV000577338.32), dbSNP rs373307393, ClinGen allele CA8814844.